The following is an entry in ClinVar:

ClinVar aggregate classification (germline): Uncertain significance. Review status: criteria provided, multiple submitters, no conflicts (2 of 4 stars). 2 submissions from 2 submitters: Uncertain significance (2). Last evaluated 2025-04-14.

Conditions:
Inborn genetic diseases. Identifiers: MedGen C0950123, MeSH D030342.

Allele frequency attached by ClinVar (database versions not stated): TOPMed 0.00002; gnomAD 0.00001; gnomAD exomes 0.00002.
gnomAD v4.1: 25 of 1,486,974 alleles (0.0017%); highest among the groups gnomAD compares: Non-Finnish European, 0.0019%; no homozygotes.

Submissions (2):

Ambry Genetics
Classification: Uncertain significance for Inborn genetic diseases. Last evaluated: 2025-04-14. Review status: criteria provided, single submitter. Criteria: Ambry Variant Classification Scheme 2023. Collection method: clinical testing. Allele origin: germline.

Labcorp Genetics (formerly Invitae), Labcorp
Classification: Uncertain significance. Last evaluated: 2022-08-04. Review status: criteria provided, single submitter. Criteria: Invitae Variant Classification Sherloc (09022015). Collection method: clinical testing. Allele origin: germline.
Comment: This sequence change replaces alanine, which is neutral and non-polar, with threonine, which is neutral and polar, at codon 53 of the PUS1 protein (p.Ala53Thr). The frequency data for this variant in the population databases is considered unreliable, as metrics indicate poor data quality at this position in the gnomAD database. This variant has not been reported in the literature in individuals affected with PUS1-related conditions. Algorithms developed to predict the effect of missense changes on protein structure and function (SIFT, PolyPhen-2, Align-GVGD) all suggest that this variant is likely to be tolerated. In summary, the available evidence is currently insufficient to determine the role of this variant in disease. Therefore, it has been classified as a Variant of Uncertain Significance.

NM_025215.6(PUS1):c.157G>A (p.Ala53Thr)

Genes: PUS1 (pseudouridine synthase 1; plus strand), LOC130009240 (ATAC-STARR-seq lymphoblastoid silent region 5107; plus strand). Cytogenetic location: 12q24.33.
Variant type: single nucleotide variant.
Coding change: c.157G>A on transcript NM_025215.6 (MANE Select); coding-DNA position 157, G replaced by A.
Protein change: p.Ala53Thr; replaces alanine 53 with threonine.
Molecular consequence: missense variant.
Genome position (GRCh38, 1-based): chr12:131,929,989, G>A. VCF-style: chr12-131929989-G-A. GRCh37 (hg19) VCF-style: chr12-132414534-G-A.
Other names: c.73G>A, p.Ala25Thr (NM_001002019.3, NM_001002020.3); c.157G>A (NM_025215.5); short protein forms A53T, A25T.
Identifiers: ClinVar variation 2142565 (VCV002142565.4), dbSNP rs773571665, ClinGen allele CA246181883.